The following is an entry in ClinVar:

ClinVar aggregate classification (germline): Uncertain significance (1 of 4 stars; one submission).

Submission:

Women's Health and Genetics/Laboratory Corporation of America, LabCorp
Classification: Uncertain significance. Last evaluated: 2026-02-17. Review status: criteria provided, single submitter. Criteria: LabCorp Variant Classification Summary - May 2015. Collection method: clinical testing. Allele origin: germline.
Comment: Variant summary: COL12A1 c.3227T>G (p.Leu1076Arg) results in a non-conservative amino acid change in the encoded protein sequence. Algorithms developed to predict the effect of missense changes on protein structure and function are either unavailable or do not agree on the potential impact of this missense change. The variant was absent in 249184 control chromosomes. The available data on variant occurrences in the general population are insufficient to allow any conclusion about variant significance. To our knowledge, no occurrence of c.3227T>G in individuals affected with COL12A1-related conditions and no experimental evidence demonstrating its impact on protein function have been reported. No submitters have cited clinical-significance assessments for this variant to ClinVar. Based on the evidence outlined above, the variant was classified as uncertain significance.

NM_004370.6(COL12A1):c.3227T>G (p.Leu1076Arg)

Gene: COL12A1 (collagen type XII alpha 1 chain; minus strand). Cytogenetic location: 6q13.
Variant type: single nucleotide variant.
Coding change: c.3227T>G on transcript NM_004370.6 (MANE Select); coding-DNA position 3227, T replaced by G.
Protein change: p.Leu1076Arg; replaces leucine 1076 with arginine.
Molecular consequence: missense variant. On other transcripts: intron variant (2).
Genome position (GRCh38, 1-based): chr6:75,156,280, A>C on the plus strand (T>G on the coding strand, the complement: COL12A1 is on the minus strand). VCF-style: chr6-75156280-A-C. GRCh37 (hg19) VCF-style: chr6-75865996-A-C.
Other names: c.3227T>G, p.Leu1076Arg (NM_001424113.1, NM_001424114.1); c.2954T>G, p.Leu985Arg (NM_001424115.1); c.74-3798T>G (NM_001424116.1, NM_080645.3); short protein forms L1076R, L985R.
Identifiers: ClinVar variation 4848279 (VCV004848279.1).